The following is an entry in ClinVar:

ClinVar aggregate classification (germline): Uncertain significance (1 of 4 stars; one submission).

Conditions:
Renal carnitine transport defect (CDSP). Also called: Systemic primary carnitine deficiency; Primary carnitine deficiency; CARNITINE DEFICIENCY, SYSTEMIC, DUE TO DEFECT IN RENAL REABSORPTION OF CARNITINE; CARNITINE TRANSPORTER, PLASMA-MEMBRANE, DEFICIENCY OF; CARNITINE UPTAKE DEFECT; Systemic primary carnitine deficiency disease. Identifiers: Orphanet 158, MedGen C0342788, MONDO:0008919, OMIM 212140.

Allele frequency attached by ClinVar (database versions not stated): gnomAD exomes below 0.00001 and 0.00001; ExAC 0.00002.
gnomAD v4.1: 6 of 1,614,206 alleles (0.00037%); highest among the groups gnomAD compares: East Asian, 0.0022%; no homozygotes.

Submission:

Labcorp Genetics (formerly Invitae), Labcorp
Classification: Uncertain significance for Renal carnitine transport defect. Last evaluated: 2024-10-15. Review status: criteria provided, single submitter. Criteria: Invitae Variant Classification Sherloc (09022015). Collection method: clinical testing. Allele origin: germline.
Comment: This sequence change replaces serine, which is neutral and polar, with leucine, which is neutral and non-polar, at codon 190 of the SLC22A5 protein (p.Ser190Leu). This variant is present in population databases (rs766106506, gnomAD 0.002%). This variant has not been reported in the literature in individuals affected with SLC22A5-related conditions. ClinVar contains an entry for this variant (Variation ID: 1423630). Invitae Evidence Modeling of protein sequence and biophysical properties (such as structural, functional, and spatial information, amino acid conservation, physicochemical variation, residue mobility, and thermodynamic stability) indicates that this missense variant is expected to disrupt SLC22A5 protein function with a positive predictive value of 95%. In summary, the available evidence is currently insufficient to determine the role of this variant in disease. Therefore, it has been classified as a Variant of Uncertain Significance.

NM_003060.4(SLC22A5):c.569C>T (p.Ser190Leu)

Gene: SLC22A5 (solute carrier family 22 member 5; plus strand). Cytogenetic location: 5q31.1.
Variant type: single nucleotide variant.
Coding change: c.569C>T on transcript NM_003060.4 (MANE Select); coding-DNA position 569, C replaced by T.
Protein change: p.Ser190Leu; replaces serine 190 with leucine.
Molecular consequence: missense variant.
Genome position (GRCh38, 1-based): chr5:132,384,218, C>T. VCF-style: chr5-132384218-C-T. GRCh37 (hg19) VCF-style: chr5-131719910-C-T.
Other names: c.641C>T, p.Ser214Leu (NM_001308122.2); short protein forms S190L, S214L.
Identifiers: ClinVar variation 1423630 (VCV001423630.4), dbSNP rs766106506, ClinGen allele CA3403924.
Genomic context (GRCh38, chr5:132,384,218, plus strand): 5'-AGAATGTGCTGTTCGTGACCATGGGCATGCAGACAGGCTTCAGCTTCCTGCAGATCTTCT[C>T]GAAGAATTTTGAGATGTTTGTCGTGCTGTTTGTCCTTGTAGGCATGGGCCAGATCTCCAA-3'
Protein context (NP_003051.1, residues 180-200): QTGFSFLQIF[Ser190Leu]KNFEMFVVLF